The following is an entry in ClinVar:

ClinVar aggregate classification (germline): Conflicting classifications of pathogenicity. Review status: criteria provided, conflicting classifications (1 of 4 stars). 2 submissions from 2 submitters: Uncertain significance (1); Likely benign (1). Last evaluated 2025-07-24.

Conditions:
Hereditary cancer-predisposing syndrome. Also called: Neoplastic Syndromes, Hereditary; Tumor predisposition; Hereditary Cancer Syndrome; Hereditary neoplastic syndrome. Identifiers: Orphanet 140162, MedGen C0027672, MeSH D009386, MONDO:0015356.
Hereditary breast ovarian cancer syndrome. Also called: Hereditary breast and ovarian cancer syndrome; Hereditary breast and/or ovarian cancer syndrome; Hereditary breast and ovarian cancer syndrome (HBOC); Breast and ovarian cancer; BRCA1- and BRCA2-Associated Hereditary Breast and Ovarian Cancer; Hereditary breast and ovarian cancer. Identifiers: Orphanet 145, MedGen C0677776, MeSH D061325, MONDO:0003582. Disease mechanism: loss of function.

Submissions (2):

Labcorp Genetics (formerly Invitae), Labcorp
Classification: Uncertain significance for Hereditary breast ovarian cancer syndrome. Last evaluated: 2025-07-24. Review status: criteria provided, single submitter. Criteria: Invitae Variant Classification Sherloc (09022015). Collection method: clinical testing. Allele origin: germline.
Comment: This sequence change replaces isoleucine, which is neutral and non-polar, with phenylalanine, which is neutral and non-polar, at codon 3008 of the BRCA2 protein (p.Ile3008Phe). This variant is not present in population databases (gnomAD no frequency). This variant has not been reported in the literature in individuals affected with BRCA2-related conditions. ClinVar contains an entry for this variant (Variation ID: 1001941). Invitae Evidence Modeling of protein sequence and biophysical properties (such as structural, functional, and spatial information, amino acid conservation, physicochemical variation, residue mobility, and thermodynamic stability) indicates that this missense variant is not expected to disrupt BRCA2 protein function with a negative predictive value of 95%. In summary, the available evidence is currently insufficient to determine the role of this variant in disease. Therefore, it has been classified as a Variant of Uncertain Significance.

Ambry Genetics
Classification: Likely benign for Hereditary cancer-predisposing syndrome. Last evaluated: 2025-05-15. Review status: criteria provided, single submitter. Criteria: Ambry Variant Classification Scheme 2023. Collection method: clinical testing. Allele origin: germline.

NM_000059.4(BRCA2):c.9022A>T (p.Ile3008Phe)

Gene: BRCA2 (BRCA2 DNA repair associated; plus strand). Cytogenetic location: 13q13.1.
Variant type: single nucleotide variant.
Coding change: c.9022A>T on transcript NM_000059.4 (MANE Select); coding-DNA position 9022, A replaced by T.
Protein change: p.Ile3008Phe; replaces isoleucine 3008 with phenylalanine.
Molecular consequence: missense variant.
Genome position (GRCh38, 1-based): chr13:32,379,818, A>T. VCF-style: chr13-32379818-A-T. GRCh37 (hg19) VCF-style: chr13-32953955-A-T.
Other names: short protein forms I3008F.
Identifiers: ClinVar variation 1001941 (VCV001001941.12), dbSNP rs864622696, ClinGen allele CA387757485.